The following is an entry in ClinVar:

NM_024757.5(EHMT1):c.1076A>G (p.Asp359Gly)

Gene: EHMT1 (euchromatic histone lysine methyltransferase 1; plus strand). Cytogenetic location: 9q34.3.
Variant type: single nucleotide variant.
Coding change: c.1076A>G on transcript NM_024757.5 (MANE Select); coding-DNA position 1076, A replaced by G.
Protein change: p.Asp359Gly; replaces aspartic acid 359 with glycine.
Molecular consequence: missense variant.
Genome position (GRCh38, 1-based): chr9:137,743,996, A>G. VCF-style: chr9-137743996-A-G. GRCh37 (hg19) VCF-style: chr9-140638448-A-G.
Other names: c.1076A>G, p.Asp359Gly (NM_001145527.2, NM_001354611.2); c.983A>G, p.Asp328Gly (NM_001354259.2, NM_001354612.2); c.1055A>G, p.Asp352Gly (NM_001354263.2); short protein forms D328G, D352G, D359G.
Identifiers: ClinVar variation 1695645 (VCV001695645.2), dbSNP rs1327678176, ClinGen allele CA375779495.

ClinVar aggregate classification (germline): Uncertain significance (1 of 4 stars; one submission).

Allele frequency attached by ClinVar (database versions not stated): gnomAD exomes below 0.00001; gnomAD 0.00001.
gnomAD v4.1: 3 of 1,613,970 alleles (0.00019%); highest among the groups gnomAD compares: African/African-American, 0.0013%; no homozygotes.

Submission:

GeneDx
Classification: Uncertain significance. Last evaluated: 2022-01-07. Review status: criteria provided, single submitter. Criteria: GeneDx Variant Classification Process June 2021. Collection method: clinical testing. Allele origin: germline. Affected: yes.
Comment: Not observed at significant frequency in large population cohorts (gnomAD); In silico analysis supports that this missense variant does not alter protein structure/function; Has not been previously published as pathogenic or benign to our knowledge